The following is an entry in ClinVar:

NM_017436.7(A4GALT):c.776A>G (p.Lys259Arg)

Gene: A4GALT (alpha 1,4-galactosyltransferase (P1PK blood group); minus strand). Cytogenetic location: 22q13.2.
Variant type: single nucleotide variant.
Coding change: c.776A>G on transcript NM_017436.7 (MANE Select); coding-DNA position 776, A replaced by G.
Protein change: p.Lys259Arg; replaces lysine 259 with arginine.
Molecular consequence: missense variant.
Genome position (GRCh38, 1-based): chr22:42,693,176, T>C on the plus strand (A>G on the coding strand, the complement: A4GALT is on the minus strand). VCF-style: chr22-42693176-T-C. GRCh37 (hg19) VCF-style: chr22-43089182-T-C.
Other names: c.776A>G, p.Lys259Arg (NM_001318038.3); short protein forms K259R.
Identifiers: ClinVar variation 1493856 (VCV001493856.6), dbSNP rs2146948555, ClinGen allele CA411810871.
Genomic context (GRCh38, chr22:42,693,176, plus strand): 5'-AGGGTGGTGACGCCGCGGCAGGCGCGGCTCTCGGCCAGGCTGCGGATGGAACACCACTTC[T>C]TGAAGACCCGCGTGAGCAGCTGCGGGCCCTGGTGACCCCAGATCCAGCCGTTGTAGTGGT-3'
Protein context (NP_059132.1, residues 249-269): QGPQLLTRVF[Lys259Arg]KWCSIRSLAE

ClinVar aggregate classification (germline): Uncertain significance (1 of 4 stars; one submission).

Allele frequency attached by ClinVar (database versions not stated): gnomAD exomes below 0.00001.
gnomAD v4.1: 2 of 1,597,896 alleles (0.00013%); highest among the groups gnomAD compares: Non-Finnish European, 0.00017%; no homozygotes.

Submission:

Labcorp Genetics (formerly Invitae), Labcorp
Classification: Uncertain significance. Last evaluated: 2021-12-25. Review status: criteria provided, single submitter. Criteria: Invitae Variant Classification Sherloc (09022015). Collection method: clinical testing. Allele origin: germline.
Comment: In summary, the available evidence is currently insufficient to determine the role of this variant in disease. Therefore, it has been classified as a Variant of Uncertain Significance. Algorithms developed to predict the effect of missense changes on protein structure and function are either unavailable or do not agree on the potential impact of this missense change (SIFT: "Not Available"; PolyPhen-2: "Probably Damaging"; Align-GVGD: "Not Available"). This variant has not been reported in the literature in individuals affected with A4GALT-related conditions. This variant is not present in population databases (gnomAD no frequency). This sequence change replaces lysine, which is basic and polar, with arginine, which is basic and polar, at codon 259 of the A4GALT protein (p.Lys259Arg).